The following is an entry in ClinVar:

ClinVar aggregate classification (germline): Likely benign (1 of 4 stars; one submission).

Submission:

GeneDx
Classification: Likely benign. Last evaluated: 2019-09-05. Review status: criteria provided, single submitter. Criteria: GeneDx Variant Classification Process June 2021. Collection method: clinical testing. Allele origin: germline. Affected: yes.
Comment: Has not been previously published as pathogenic or benign to our knowledge; In-silico analysis, which includes splice predictors and evolutionary conservation, is inconclusive as to whether the variant alters gene splicing. In the absence of RNA/functional studies, the actual effect of this sequence change is unknown.

NM_001103.4(ACTN2):c.877-8_877-6delinsGGA

Gene: ACTN2 (actinin alpha 2; plus strand). Cytogenetic location: 1q43.
Variant type: Indel.
Coding change: c.877-8_877-6delinsGGA on transcript NM_001103.4 (MANE Select); 8 bases into the intron before coding-DNA position 877 through 6 bases into the intron before coding-DNA position 877, CGG replaced by GGA.
Molecular consequence: intron variant.
Genome position (GRCh38, 1-based): chr1:236,739,294-236,739,296, CGG replaced by GGA. VCF-style: chr1-236739294-CGG-GGA. GRCh37 (hg19) VCF-style: chr1-236902594-CGG-GGA.
Other names: c.253-8_253-6delinsGGA (NM_001278344.2); c.877-8_877-6delinsGGA (NM_001278343.2).
Identifiers: ClinVar variation 1212685 (VCV001212685.3), dbSNP rs2102922339, ClinGen allele CA2499214573.